The following is an entry in ClinVar:

ClinVar aggregate classification (germline): Conflicting classifications of pathogenicity. Review status: criteria provided, conflicting classifications (1 of 4 stars). 2 submissions from 2 submitters: Uncertain significance (1); Likely benign (1). Last evaluated 2026-06-04.

Conditions:
Renal cell carcinoma. Identifiers: Orphanet 217071, MedGen C0007134, MeSH D002292, MONDO:0005086, HP:0005584.
Hereditary cancer-predisposing syndrome. Also called: Tumor predisposition; Hereditary Cancer Syndrome; Neoplastic Syndromes, Hereditary; Hereditary neoplastic syndrome. Identifiers: Orphanet 140162, MedGen C0027672, MeSH D009386, MONDO:0015356.

Allele frequency attached by ClinVar (database versions not stated): TOPMed below 0.00001.
gnomAD v4.1: 4 of 1,595,500 alleles (0.00025%); highest among the groups gnomAD compares: Non-Finnish European, 0.00034%; no homozygotes.

Submissions (2):

Ambry Genetics
Classification: Likely benign for Hereditary cancer-predisposing syndrome. Last evaluated: 2026-06-04. Review status: criteria provided, single submitter. Criteria: Ambry Variant Classification Scheme 2023. Collection method: clinical testing. Allele origin: germline.

Labcorp Genetics (formerly Invitae), Labcorp
Classification: Uncertain significance for Renal cell carcinoma. Last evaluated: 2025-09-21. Review status: criteria provided, single submitter. Criteria: Invitae Variant Classification Sherloc (09022015). Collection method: clinical testing. Allele origin: germline.
Comment: This sequence change replaces methionine, which is neutral and non-polar, with isoleucine, which is neutral and non-polar, at codon 362 of the MET protein (p.Met362Ile). This variant is present in population databases (rs779724665, gnomAD 0.0009%). This variant has not been reported in the literature in individuals affected with MET-related conditions. ClinVar contains an entry for this variant (Variation ID: 661481). Invitae Evidence Modeling of protein sequence and biophysical properties (such as structural, functional, and spatial information, amino acid conservation, physicochemical variation, residue mobility, and thermodynamic stability) indicates that this missense variant is not expected to disrupt MET protein function with a negative predictive value of 80%. In summary, the available evidence is currently insufficient to determine the role of this variant in disease. Therefore, it has been classified as a Variant of Uncertain Significance.

NM_000245.4(MET):c.1086G>A (p.Met362Ile)

Gene: MET (MET proto-oncogene, receptor tyrosine kinase; plus strand). Cytogenetic location: 7q31.2.
Variant type: single nucleotide variant.
Coding change: c.1086G>A on transcript NM_000245.4 (MANE Select); coding-DNA position 1086, G replaced by A.
Protein change: p.Met362Ile; replaces methionine 362 with isoleucine.
Molecular consequence: missense variant. On other transcripts: intron variant (1).
Genome position (GRCh38, 1-based): chr7:116,700,170, G>A. VCF-style: chr7-116700170-G-A. GRCh37 (hg19) VCF-style: chr7-116340224-G-A.
Other names: c.1086G>A, p.Met362Ile (NM_001127500.3, NM_001324401.3); c.-91+27593G>A (NM_001324402.2); short protein forms M362I.
Identifiers: ClinVar variation 661481 (VCV000661481.15), dbSNP rs779724665, ClinGen allele CA4448067.
Genomic context (GRCh38, chr7:116,700,170, plus strand): 5'-TTTCGGGGTGTTCGCACAAAGCAAGCCAGATTCTGCCGAACCAATGGATCGATCTGCCAT[G>A]TGTGCATTCCCTATCAAATATGTCAACGACTTCTTCAACAAGATCGTCAACAAAAACAAT-3'
Protein context (NP_000236.2, residues 352-372): DSAEPMDRSA[Met362Ile]CAFPIKYVND